The following is an entry in ClinVar:

ClinVar aggregate classification (germline): Uncertain significance (1 of 4 stars; one submission).

Allele frequency attached by ClinVar (database versions not stated): TOPMed below 0.00001; gnomAD exomes 0.00001; ExAC 0.00003.

Submission:

Labcorp Genetics (formerly Invitae), Labcorp
Classification: Uncertain significance. Last evaluated: 2022-08-10. Review status: criteria provided, single submitter. Criteria: Invitae Variant Classification Sherloc (09022015). Collection method: clinical testing. Allele origin: germline.
Comment: In summary, the available evidence is currently insufficient to determine the role of this variant in disease. Therefore, it has been classified as a Variant of Uncertain Significance. Advanced modeling of protein sequence and biophysical properties (such as structural, functional, and spatial information, amino acid conservation, physicochemical variation, residue mobility, and thermodynamic stability) performed at Invitae indicates that this missense variant is not expected to disrupt PNPT1 protein function. ClinVar contains an entry for this variant (Variation ID: 1491268). This variant has not been reported in the literature in individuals affected with PNPT1-related conditions. This variant is present in population databases (rs777069274, gnomAD 0.003%). This sequence change replaces cysteine, which is neutral and slightly polar, with glycine, which is neutral and non-polar, at codon 4 of the PNPT1 protein (p.Cys4Gly).

NM_033109.5(PNPT1):c.10T>G (p.Cys4Gly)

Genes: PNPT1 (polyribonucleotide nucleotidyltransferase 1; minus strand), LOC129933771 (ATAC-STARR-seq lymphoblastoid active region 15786; plus strand). Cytogenetic location: 2p16.1.
Variant type: single nucleotide variant.
Coding change: c.10T>G on transcript NM_033109.5 (MANE Select); coding-DNA position 10, T replaced by G.
Protein change: p.Cys4Gly; replaces cysteine 4 with glycine.
Molecular consequence: missense variant.
Genome position (GRCh38, 1-based): chr2:55,693,814, A>C on the plus strand (T>G on the coding strand, the complement: PNPT1 is on the minus strand). VCF-style: chr2-55693814-A-C. GRCh37 (hg19) VCF-style: chr2-55920949-A-C.
Other names: short protein forms C4G.
Identifiers: ClinVar variation 1491268 (VCV001491268.6), dbSNP rs777069274, ClinGen allele CA1668661.